The following is an entry in ClinVar:

NM_003060.4(SLC22A5):c.646G>T (p.Val216Phe)

Gene: SLC22A5 (solute carrier family 22 member 5; plus strand). Cytogenetic location: 5q31.1.
Variant type: single nucleotide variant.
Coding change: c.646G>T on transcript NM_003060.4 (MANE Select); coding-DNA position 646, G replaced by T.
Protein change: p.Val216Phe; replaces valine 216 with phenylalanine.
Molecular consequence: missense variant.
Genome position (GRCh38, 1-based): chr5:132,384,295, G>T. VCF-style: chr5-132384295-G-T. GRCh37 (hg19) VCF-style: chr5-131719987-G-T.
Other names: c.718G>T, p.Val240Phe (NM_001308122.2); short protein forms V216F, V240F.
Identifiers: ClinVar variation 1011711 (VCV001011711.6), dbSNP rs1752450375, ClinGen allele CA360804916.

ClinVar aggregate classification (germline): Uncertain significance (1 of 4 stars; one submission).

Conditions:
Renal carnitine transport defect (CDSP). Also called: CARNITINE DEFICIENCY, SYSTEMIC, DUE TO DEFECT IN RENAL REABSORPTION OF CARNITINE; CARNITINE TRANSPORTER, PLASMA-MEMBRANE, DEFICIENCY OF; CARNITINE UPTAKE DEFECT; Primary carnitine deficiency; Carnitine transporter deficiency; Carnitine Deficiency, Systemic. Identifiers: Orphanet 158, MedGen C0342788, MONDO:0008919, OMIM 212140.

Submission:

Labcorp Genetics (formerly Invitae), Labcorp
Classification: Uncertain significance for Renal carnitine transport defect. Last evaluated: 2021-08-28. Review status: criteria provided, single submitter. Criteria: Invitae Variant Classification Sherloc (09022015). Collection method: clinical testing. Allele origin: germline.
Comment: This sequence change replaces valine with phenylalanine at codon 216 of the SLC22A5 protein (p.Val216Phe). The valine residue is highly conserved and there is a small physicochemical difference between valine and phenylalanine. This variant is not present in population databases (ExAC no frequency). This variant has not been reported in the literature in individuals affected with SLC22A5-related conditions. Algorithms developed to predict the effect of missense changes on protein structure and function are either unavailable or do not agree on the potential impact of this missense change (SIFT: "Deleterious"; PolyPhen-2: "Possibly Damaging"; Align-GVGD: "Class C0"). In summary, the available evidence is currently insufficient to determine the role of this variant in disease. Therefore, it has been classified as a Variant of Uncertain Significance.